The following is an entry in ClinVar:

NM_002485.5(NBN):c.1903A>T (p.Lys635Ter)

Genes: NBN (nibrin; minus strand), LOC126860438 (MED14-independent group 3 enhancer GRCh37_chr8:90959982-90961181; plus strand). Cytogenetic location: 8q21.3.
Variant type: single nucleotide variant.
Coding change: c.1903A>T on transcript NM_002485.5 (MANE Select); coding-DNA position 1903, A replaced by T.
Protein change: p.Lys635Ter; replaces lysine 635 with a stop codon.
Molecular consequence: nonsense.
Genome position (GRCh38, 1-based): chr8:89,947,835, T>A on the plus strand (A>T on the coding strand, the complement: NBN is on the minus strand). VCF-style: chr8-89947835-T-A. GRCh37 (hg19) VCF-style: chr8-90960063-T-A.
Other names: c.1657A>T, p.Lys553Ter (NM_001024688.3); short protein forms K635*, K553*.
Identifiers: ClinVar variation 142559 (VCV000142559.39), dbSNP rs587782545, ClinGen allele CA168703.

ClinVar aggregate classification (germline): Pathogenic/Likely pathogenic. Review status: criteria provided, multiple submitters, no conflicts (2 of 4 stars). 14 submissions from 14 submitters: Pathogenic (9); Likely pathogenic (4). 1 of the submissions does not count toward it. Last evaluated 2025-12-30.

Conditions:
NBN-related disorder. Also called: NBN-related condition.
Microcephaly, normal intelligence and immunodeficiency (NBS). Also called: Nijmegen breakage syndrome; BERLIN BREAKAGE SYNDROME; Microcephaly with normal intelligence immunodeficiency and lymphoreticular malignancies; Nonsyndromal microcephaly autosomal recessive with normal intelligence; Seemanova syndrome 2; Immunodeficiency, microcephaly with normal intelligence. Identifiers: Orphanet 647, MedGen C0398791, MONDO:0009623, OMIM 251260.
Aplastic anemia. Identifiers: Orphanet 182040, Orphanet 88, MedGen C0002874, MONDO:0015909, OMIM 609135, HP:0001915.
Acute lymphoid leukemia (ALL). Also called: Leukemia, acute lymphoblastic, somatic; Acute lymphoblastic leukemia; Acute lymphocytic leukemia; Lymphoblastic leukemia. Identifiers: Orphanet 513, MedGen C0023449, MONDO:0004967, OMIM 613065, HP:0006721.
Hereditary cancer-predisposing syndrome. Also called: Tumor predisposition; Hereditary neoplastic syndrome; Neoplastic Syndromes, Hereditary; Hereditary Cancer Syndrome. Identifiers: Orphanet 140162, MedGen C0027672, MeSH D009386, MONDO:0015356.

Allele frequency attached by ClinVar (database versions not stated): gnomAD exomes 0.00004; TOPMed 0.00002; gnomAD 0.00002; ExAC 0.00005.
gnomAD v4.1: 25 of 1,572,804 alleles (0.0016%); highest among the groups gnomAD compares: Non-Finnish European, 0.00026%; no homozygotes.

Submissions (14):

Labcorp Genetics (formerly Invitae), Labcorp
Classification: Pathogenic for Microcephaly, normal intelligence and immunodeficiency. Last evaluated: 2025-12-30. Review status: criteria provided, single submitter. Criteria: Invitae Variant Classification Sherloc (09022015). Collection method: clinical testing. Allele origin: germline.
Comment: This sequence change creates a premature translational stop signal (p.Lys635*) in the NBN gene. It is expected to result in an absent or disrupted protein product. Loss-of-function variants in NBN are known to be pathogenic (PMID: 9590180, 16415040). This variant is present in population databases (rs587782545, gnomAD 0.08%). This premature translational stop signal has been observed in individual(s) with breast cancer, pancreatic cancer, and/or ovarian cancer (PMID: 28727877, 29506128, 30322717). ClinVar contains an entry for this variant (Variation ID: 142559). RNA analysis performed to evaluate the impact of this premature translational stop signal on mRNA splicing indicates it does not significantly alter splicing (internal data). For these reasons, this variant has been classified as Pathogenic.

Genetic Services Laboratory, University of Chicago
Classification: Pathogenic. Last evaluated: 2025-12-08. Review status: criteria provided, single submitter. Criteria: ACMG Guidelines, 2015. Collection method: clinical testing. Allele origin: germline.
Comment: DNA sequence analysis of the NBN gene demonstrated a sequence change, c.1903A>T, which results in the creation of a premature stop codon at amino acid position 635, p.Lys635*. This pathogenic sequence change is predicted to result in an abnormal transcript, which may be degraded, or may lead to the production of a truncated NBN protein with potentially abnormal function. This pathogenic sequence change has been previously described in two patients with breast and pancreatic cancer (PMIDs: 28727877, 29506128).

Natera, Inc.
Classification: Likely pathogenic for Nijmegen breakage syndrome. Last evaluated: 2025-11-21. Review status: criteria provided, single submitter. Criteria: Natera Variant Classification Schema (03/2026). Collection method: clinical testing. Allele origin: germline.
Comment: The c.1903A>T variant in NBN is a nonsense variant predicted to introduce a stop codon at amino acid 635. This variant is expected to result in nonsense mediated decay, truncation, or a dysfunctional protein product. This variant is rare in the general population with a frequency below the threshold expected for the associated phenotype(s). Given the available evidence, this variant is classified as Likely Pathogenic.

GeneDx
Classification: Likely pathogenic. Last evaluated: 2025-11-13. Review status: criteria provided, single submitter. Criteria: GeneDx Variant Classification Process June 2021. Collection method: clinical testing. Allele origin: germline. Affected: yes.
Comment: Not observed at significant frequency in large population cohorts (gnomAD); Nonsense variant predicted to result in protein truncation or nonsense mediated decay in a gene for which loss of function is a known mechanism of disease; This variant is associated with the following publications: (PMID: 24763289, 29506128, 28727877, 30716324, 31589614, 31980526, 30322717, 36346689, 36744932, 31341520, 29922827)

Baylor Genetics
Classification: Pathogenic for Aplastic anemia. Last evaluated: 2024-03-19. Review status: criteria provided, single submitter. Criteria: ACMG Guidelines, 2015. Collection method: clinical testing. Allele origin: unknown.

Blueprint Genetics
Classification: Likely pathogenic for NBN-related disorders. Last evaluated: 2023-12-27. Review status: criteria provided, single submitter. Criteria: ACMG Guidelines, 2015. Collection method: clinical testing. Allele origin: germline. Affected: yes. Observed: 3 variant alleles.

Department of Pathology and Laboratory Medicine, Sinai Health System
Classification: Pathogenic for Microcephaly, normal intelligence and immunodeficiency; Aplastic anemia; Acute lymphoid leukemia. Last evaluated: 2023-06-28. Review status: criteria provided, single submitter. Criteria: ACMG Guidelines, 2015. Collection method: research. Allele origin: germline.

Institute for Biomarker Research, Medical Diagnostic Laboratories, L.L.C.
Classification: Likely pathogenic for Hereditary cancer-predisposing syndrome. Last evaluated: 2023-01-24. Review status: criteria provided, single submitter. Criteria: ACMG Guidelines, 2015. Collection method: clinical testing. Allele origin: germline.

Ambry Genetics
Classification: Pathogenic for Hereditary cancer-predisposing syndrome. Last evaluated: 2022-04-06. Review status: criteria provided, single submitter. Criteria: Ambry Variant Classification Scheme 2023. Collection method: clinical testing. Allele origin: germline.
Comment: The p.K635* pathogenic mutation (also known as c.1903A>T), located in coding exon 12 of the NBN gene, results from an A to T substitution at nucleotide position 1903. This changes the amino acid from a lysine to a stop codon within coding exon 12. This alteration was also reported in 1/615 individuals with pancreatic cancer who underwent multi-gene panel testing (Lowery MA et al J. Natl. Cancer Inst. 2018 Oct;110:1067-1074). In addition to the information presented in the literature, this alteration is expected to result in loss of function by premature protein truncation or nonsense-mediated mRNA decay. As such, this alteration is interpreted as a disease-causing mutation.

Genome-Nilou Lab
Classification: Pathogenic for Microcephaly, normal intelligence and immunodeficiency. Last evaluated: 2021-11-07. Review status: criteria provided, single submitter. Criteria: ACMG Guidelines, 2015. Collection method: clinical testing. Allele origin: germline. Affected: no.

Color Diagnostics, LLC DBA Color Health
Classification: Pathogenic for Hereditary cancer-predisposing syndrome. Last evaluated: 2020-08-20. Review status: criteria provided, single submitter. Criteria: ACMG Guidelines, 2015. Collection method: clinical testing. Allele origin: germline.
Comment: This variant changes 1 nucleotide in exon 12 of the NBN gene, creating a premature translation stop signal. This variant is expected to result in an absent or non-functional protein product. To our knowledge, this variant has been reported in individuals affected with breast or pancreatic cancer (PMID: 28727877, 29506128). This variant has been identified in 9/233100 chromosomes in the general population by the Genome Aggregation Database (gnomAD). Loss of NBN function is a known mechanism of disease. Based on the available evidence, this variant is classified as Pathogenic.

Knight Diagnostic Laboratories, Oregon Health and Sciences University
Classification: Pathogenic for Hereditary cancer-predisposing syndrome. Last evaluated: 2019-08-14. Review status: criteria provided, single submitter. Criteria: ACMG Guidelines, 2015. Collection method: clinical testing. Allele origin: germline. Observed: 1 variant allele.

Fulgent Genetics
Classification: Pathogenic for Microcephaly, normal intelligence and immunodeficiency; Aplastic anemia; Acute lymphoid leukemia. Last evaluated: 2018-10-31. Review status: criteria provided, single submitter. Criteria: ACMG Guidelines, 2015. Collection method: clinical testing. Allele origin: unknown.

Counsyl
Classification: Likely pathogenic for Microcephaly, normal intelligence and immunodeficiency. Last evaluated: 2016-04-25. Review status: no assertion criteria provided. Collection method: clinical testing. Allele origin: unknown. Not counted in ClinVar's aggregate classification.

Literature cited by the submitters: PubMed 9590180 (cited by Labcorp Genetics (formerly Invitae), Labcorp); PubMed 16415040 (cited by Labcorp Genetics (formerly Invitae), Labcorp); PubMed 28727877 (cited by Labcorp Genetics (formerly Invitae), Labcorp and Ambry Genetics); PubMed 29506128 (cited by Labcorp Genetics (formerly Invitae), Labcorp and Ambry Genetics); PubMed 30322717 (cited by Labcorp Genetics (formerly Invitae), Labcorp); PubMed 24763289 (cited by Ambry Genetics).